The following is an entry in ClinVar:

ClinVar aggregate classification (germline): Uncertain significance (1 of 4 stars; one submission).

gnomAD v4.1: 1 of 1,613,944 alleles (0.000062%); highest among the groups gnomAD compares: African/African-American, 0.0013%; no homozygotes.

Submission:

Labcorp Genetics (formerly Invitae), Labcorp
Classification: Uncertain significance. Last evaluated: 2021-09-16. Review status: criteria provided, single submitter. Criteria: Invitae Variant Classification Sherloc (09022015). Collection method: clinical testing. Allele origin: germline.
Comment: In summary, the available evidence is currently insufficient to determine the role of this variant in disease. Therefore, it has been classified as a Variant of Uncertain Significance. Advanced modeling of protein sequence and biophysical properties (such as structural, functional, and spatial information, amino acid conservation, physicochemical variation, residue mobility, and thermodynamic stability) performed at Invitae indicates that this missense variant is not expected to disrupt LRP2 protein function. This variant has not been reported in the literature in individuals affected with LRP2-related conditions. This variant is not present in population databases (ExAC no frequency). This sequence change replaces arginine with proline at codon 381 of the LRP2 protein (p.Arg381Pro). The arginine residue is weakly conserved and there is a moderate physicochemical difference between arginine and proline.

NM_004525.3(LRP2):c.1142G>C (p.Arg381Pro)

Gene: LRP2 (LDL receptor related protein 2; minus strand). Cytogenetic location: 2q31.1.
Variant type: single nucleotide variant.
Coding change: c.1142G>C on transcript NM_004525.3 (MANE Select); coding-DNA position 1142, G replaced by C.
Protein change: p.Arg381Pro; replaces arginine 381 with proline.
Molecular consequence: missense variant.
Genome position (GRCh38, 1-based): chr2:169,282,902, C>G on the plus strand (G>C on the coding strand, the complement: LRP2 is on the minus strand). VCF-style: chr2-169282902-C-G. GRCh37 (hg19) VCF-style: chr2-170139412-C-G.
Other names: short protein forms R381P.
Identifiers: ClinVar variation 1400497 (VCV001400497.6), dbSNP rs1431305263, ClinGen allele CA349152235.
Genomic context (GRCh38, chr2:169,282,902, plus strand): 5'-TCAGAGACACAGGTGTCCATAATTTACTCACAGGAATCATTAGCTTTGCAATACTGTCCA[C>G]GCTCCAAGATATACCCTTCTTCACAGTGGCACAGGTGACGGCCAGGTCGGCTTTCACACT-3'
Protein context (NP_004516.2, residues 371-391): CHCEEGYILE[Arg381Pro]GQYCKANDSF